The following is an entry in ClinVar:

ClinVar aggregate classification (germline): Uncertain significance (1 of 4 stars; one submission).

Conditions:
Neu-Laxova syndrome 2. Identifiers: Orphanet 2671, Orphanet 583602, MedGen C4015019, MONDO:0014466, OMIM 616038.

Submission:

Labcorp Genetics (formerly Invitae), Labcorp
Classification: Uncertain significance for Neu-Laxova syndrome 2. Last evaluated: 2022-02-25. Review status: criteria provided, single submitter. Criteria: Invitae Variant Classification Sherloc (09022015). Collection method: clinical testing. Allele origin: germline.
Comment: This sequence change replaces tyrosine, which is neutral and polar, with cysteine, which is neutral and slightly polar, at codon 289 of the PSAT1 protein (p.Tyr289Cys). This variant is not present in population databases (gnomAD no frequency). This variant has not been reported in the literature in individuals affected with PSAT1-related conditions. Algorithms developed to predict the effect of missense changes on protein structure and function (SIFT, PolyPhen-2, Align-GVGD) all suggest that this variant is likely to be disruptive. In summary, the available evidence is currently insufficient to determine the role of this variant in disease. Therefore, it has been classified as a Variant of Uncertain Significance.

NM_058179.4(PSAT1):c.866A>G (p.Tyr289Cys)

Gene: PSAT1 (phosphoserine aminotransferase 1; plus strand). Cytogenetic location: 9q21.2.
Variant type: single nucleotide variant.
Coding change: c.866A>G on transcript NM_058179.4 (MANE Select); coding-DNA position 866, A replaced by G.
Protein change: p.Tyr289Cys; replaces tyrosine 289 with cysteine.
Molecular consequence: missense variant.
Genome position (GRCh38, 1-based): chr9:78,317,801, A>G. VCF-style: chr9-78317801-A-G. GRCh37 (hg19) VCF-style: chr9-80932717-A-G.
Other names: c.866A>G, p.Tyr289Cys (NM_021154.5); short protein forms Y289C.
Identifiers: ClinVar variation 1959414 (VCV001959414.5), dbSNP rs1828370991, ClinGen allele CA373857670.
Genomic context (GRCh38, chr9:78,317,801, plus strand): 5'-AGCTTAGCTCCATCAAATCTCAAACAATTTATGAGATTATTGATAATTCTCAAGGATTCT[A>G]CGTGTAAGTCAATGGATTTTATCTCCTATTTTGCCTCTTGTGAATTTAAAACTGTGTATA-3'
Protein context (NP_478059.1, residues 279-299): YEIIDNSQGF[Tyr289Cys]VCPVEPQNRS